The following is an entry in ClinVar:

NM_000179.3(MSH6):c.2839A>G (p.Asn947Asp)

Gene: MSH6 (mutS homolog 6; plus strand). Cytogenetic location: 2p16.3.
Variant type: single nucleotide variant.
Coding change: c.2839A>G on transcript NM_000179.3 (MANE Select); coding-DNA position 2839, A replaced by G.
Protein change: p.Asn947Asp; replaces asparagine 947 with aspartic acid.
Molecular consequence: missense variant. On other transcripts: non-coding transcript variant (5), intron variant (2).
Genome position (GRCh38, 1-based): chr2:47,800,822, A>G. VCF-style: chr2-47800822-A-G. GRCh37 (hg19) VCF-style: chr2-48027961-A-G.
Other names: c.2449A>G, p.Asn817Asp (NM_001281492.2); c.1933A>G, p.Asn645Asp (NM_001281493.2, NM_001281494.2, NM_001406811.1 and 6 more transcripts); c.2935A>G, p.Asn979Asp (NM_001406795.1, NM_001406802.1); c.2839A>G, p.Asn947Asp (NM_001406796.1, NM_001406798.1, NM_001406800.1 and 2 more transcripts); c.2542A>G, p.Asn848Asp (NM_001406797.1, NM_001406801.1, NM_001406805.1 and 10 more transcripts); c.2314A>G, p.Asn772Asp (NM_001406799.1, NM_001406806.1, NM_001406807.1); c.2761A>G, p.Asn921Asp (NM_001406804.1); c.2845A>G, p.Asn949Asp (NM_001406813.1); and 4 more; short protein forms N262D, N645D, N772D, N817D, N848D, N891D, N921D, N947D.
Identifiers: ClinVar variation 3074468 (VCV003074468.1), dbSNP rs2104426473, ClinGen allele CA346755789.

ClinVar aggregate classification (germline): Uncertain significance (1 of 4 stars; one submission).

Conditions:
Lynch syndrome. Identifiers: Orphanet 144, MedGen C4552100, MONDO:0005835. Disease mechanism: loss of function.

Submission:

All of Us Research Program, National Institutes of Health
Classification: Uncertain significance for Lynch syndrome. Last evaluated: 2023-11-20. Review status: criteria provided, single submitter. Criteria: ACMG Guidelines, 2015. Collection method: clinical testing. Allele origin: germline. Inheritance: Autosomal dominant inheritance. Observed: 1 variant allele, 1 heterozygote.
Comment: This missense variant replaces asparagine with aspartic acid at codon 947 of the MSH6 protein. Computational prediction suggests that this variant may not impact protein structure and function (internally defined REVEL score threshold <= 0.5, PMID: 27666373). To our knowledge, functional studies have not been reported for this variant. This variant has not been reported in individuals affected with MSH6-related disorders in the literature. This variant has not been identified in the general population by the Genome Aggregation Database (gnomAD). The available evidence is insufficient to determine the role of this variant in disease conclusively. Therefore, this variant is classified as a Variant of Uncertain Significance.

This study involves interpretation of variants in research participants for the purpose of population health screening. Participant phenotype was not available at the time of variant classification. Additional details can be found in publication PMID: 35346344, PMCID: PMC8962531